The following is an entry in ClinVar:

NM_001103.4(ACTN2):c.1281G>T (p.Lys427Asn)

Gene: ACTN2 (actinin alpha 2; plus strand). Cytogenetic location: 1q43.
Variant type: single nucleotide variant.
Coding change: c.1281G>T on transcript NM_001103.4 (MANE Select); coding-DNA position 1281, G replaced by T.
Protein change: p.Lys427Asn; replaces lysine 427 with asparagine.
Molecular consequence: missense variant. On other transcripts: non-coding transcript variant (1).
Genome position (GRCh38, 1-based): chr1:236,744,651, G>T. VCF-style: chr1-236744651-G-T. GRCh37 (hg19) VCF-style: chr1-236907951-G-T.
Other names: c.1281G>T, p.Lys427Asn (NM_001278343.2); c.657G>T, p.Lys219Asn (NM_001278344.2); c.531G>T, p.Lys177Asn (NM_001412150.1); short protein forms K427N, K219N, K177N.
Identifiers: ClinVar variation 2562760 (VCV002562760.2), dbSNP rs1257794736, ClinGen allele CA345382647.

ClinVar aggregate classification (germline): Uncertain significance (1 of 4 stars; one submission).

Conditions:
Cardiovascular phenotype. Identifiers: MedGen CN230736.

gnomAD v4.1: 1 of 1,614,224 alleles (0.000062%); highest among the groups gnomAD compares: Non-Finnish European, 0.000085%; no homozygotes.

Submission:

Ambry Genetics
Classification: Uncertain significance for Cardiovascular phenotype. Last evaluated: 2023-03-16. Review status: criteria provided, single submitter. Criteria: Ambry Variant Classification Scheme 2023. Collection method: clinical testing. Allele origin: germline.
Comment: The p.K427N variant (also known as c.1281G>T), located in coding exon 12 of the ACTN2 gene, results from a G to T substitution at nucleotide position 1281. The lysine at codon 427 is replaced by asparagine, an amino acid with similar properties. This amino acid position is conserved. In addition, this alteration is predicted to be tolerated by in silico analysis. Since supporting evidence is limited at this time, the clinical significance of this alteration remains unclear.